The following is an entry in ClinVar:

NM_030665.4(RAI1):c.151T>C (p.Tyr51His)

Gene: RAI1 (retinoic acid induced 1; plus strand). Cytogenetic location: 17p11.2.
Variant type: single nucleotide variant.
Coding change: c.151T>C on transcript NM_030665.4 (MANE Select); coding-DNA position 151, T replaced by C.
Protein change: p.Tyr51His; replaces tyrosine 51 with histidine.
Molecular consequence: missense variant.
Genome position (GRCh38, 1-based): chr17:17,793,099, T>C. VCF-style: chr17-17793099-T-C. GRCh37 (hg19) VCF-style: chr17-17696413-T-C.
Other names: short protein forms Y51H.
Identifiers: ClinVar variation 4746405 (VCV004746405.1).
Genomic context (GRCh38, chr17:17,793,099, plus strand): 5'-AGGCAGCCGAGTCAGGCCGGGCTAAGCTGCGACCGGCAGCGGCTGCTCGCCAAGGACTAT[T>C]ATAACCCGCAGCCTTACCCGAGCTATGAGGGTGGCGCTGGCACGCCCTCTGGCACTGCAG-3'
Protein context (NP_109590.3, residues 41-61): DRQRLLAKDY[Tyr51His]NPQPYPSYEG

ClinVar aggregate classification (germline): Uncertain significance (1 of 4 stars; one submission).

Submission:

Labcorp Genetics (formerly Invitae), Labcorp
Classification: Uncertain significance. Last evaluated: 2025-08-01. Review status: criteria provided, single submitter. Criteria: Invitae Variant Classification Sherloc (09022015). Collection method: clinical testing. Allele origin: germline.
Comment: This sequence change replaces tyrosine, which is neutral and polar, with histidine, which is basic and polar, at codon 51 of the RAI1 protein (p.Tyr51His). This variant is not present in population databases (gnomAD no frequency). This variant has not been reported in the literature in individuals affected with RAI1-related conditions. Invitae Evidence Modeling of protein sequence and biophysical properties (such as structural, functional, and spatial information, amino acid conservation, physicochemical variation, residue mobility, and thermodynamic stability) indicates that this missense variant is expected to disrupt RAI1 protein function with a positive predictive value of 80%. In summary, the available evidence is currently insufficient to determine the role of this variant in disease. Therefore, it has been classified as a Variant of Uncertain Significance.